The following is an entry in ClinVar:

ClinVar aggregate classification (germline): Uncertain significance. Review status: criteria provided, multiple submitters, no conflicts (2 of 4 stars). 2 submissions from 2 submitters: Uncertain significance (2). Last evaluated 2025-07-16.

Conditions:
Inborn genetic diseases. Identifiers: MedGen C0950123, MeSH D030342.

Allele frequency attached by ClinVar (database versions not stated): gnomAD exomes below 0.00001; TOPMed below 0.00001.
gnomAD v4.1: 1 of 1,591,308 alleles (0.000063%); highest among the groups gnomAD compares: Non-Finnish European, 0.000086%; no homozygotes.

Submissions (2):

Ambry Genetics
Classification: Uncertain significance for Inborn genetic diseases. Last evaluated: 2025-07-16. Review status: criteria provided, single submitter. Criteria: Ambry Variant Classification Scheme 2023. Collection method: clinical testing. Allele origin: germline.

GeneDx
Classification: Uncertain significance. Last evaluated: 2019-11-19. Review status: criteria provided, single submitter. Criteria: GeneDx Variant Classification Process June 2021. Collection method: clinical testing. Allele origin: germline. Affected: yes.
Comment: Not observed in large population cohorts (Lek et al., 2016); In silico analysis, which includes protein predictors and evolutionary conservation, supports that this variant does not alter protein structure/function; Has not been previously published as pathogenic or benign to our knowledge

NM_003737.4(DCHS1):c.8925G>A (p.Met2975Ile)

Gene: DCHS1 (dachsous cadherin-related 1; minus strand). Cytogenetic location: 11p15.4.
Variant type: single nucleotide variant.
Coding change: c.8925G>A on transcript NM_003737.4 (MANE Select); coding-DNA position 8925, G replaced by A.
Protein change: p.Met2975Ile; replaces methionine 2975 with isoleucine.
Molecular consequence: missense variant.
Genome position (GRCh38, 1-based): chr11:6,622,751, C>T on the plus strand (G>A on the coding strand, the complement: DCHS1 is on the minus strand). VCF-style: chr11-6622751-C-T. GRCh37 (hg19) VCF-style: chr11-6643982-C-T.
Other names: c.8925G>A (NM_003737.2); short protein forms M2975I.
Identifiers: ClinVar variation 1310353 (VCV001310353.3), dbSNP rs1855718920, ClinGen allele CA379480078.